The following is an entry in ClinVar:

NM_001371623.1(TCOF1):c.3397G>A (p.Val1133Ile)

Gene: TCOF1 (treacle ribosome biogenesis factor 1; plus strand). Cytogenetic location: 5q32.
Variant type: single nucleotide variant.
Coding change: c.3397G>A on transcript NM_001371623.1 (MANE Select); coding-DNA position 3397, G replaced by A.
Protein change: p.Val1133Ile; replaces valine 1133 with isoleucine.
Molecular consequence: missense variant.
Genome position (GRCh38, 1-based): chr5:150,392,056, G>A. VCF-style: chr5-150392056-G-A. GRCh37 (hg19) VCF-style: chr5-149771619-G-A.
Other names: c.3166G>A, p.Val1056Ile (NM_000356.4, NM_001135245.2); c.3397G>A, p.Val1133Ile (NM_001135243.2); c.3283G>A, p.Val1095Ile (NM_001135244.2, NM_001195141.2); short protein forms V1095I, V1133I, V1056I.
Identifiers: ClinVar variation 1978202 (VCV001978202.5), dbSNP rs1561531581, ClinGen allele CA361736815.

ClinVar aggregate classification (germline): Uncertain significance (1 of 4 stars; one submission).

Conditions:
Treacher Collins syndrome 1 (TCS1). Also called: TCOF1-Related Treacher Collins Syndrome. Identifiers: Orphanet 861, MedGen CN315775, MONDO:0007944, OMIM 154500.

Allele frequency attached by ClinVar (database versions not stated): gnomAD exomes below 0.00001.
gnomAD v4.1: 4 of 1,614,208 alleles (0.00025%); highest among the groups gnomAD compares: Non-Finnish European, 0.00034%; no homozygotes.

Submission:

Labcorp Genetics (formerly Invitae), Labcorp
Classification: Uncertain significance for Treacher Collins syndrome 1. Last evaluated: 2022-07-01. Review status: criteria provided, single submitter. Criteria: Invitae Variant Classification Sherloc (09022015). Collection method: clinical testing. Allele origin: germline.
Comment: In summary, the available evidence is currently insufficient to determine the role of this variant in disease. Therefore, it has been classified as a Variant of Uncertain Significance. Algorithms developed to predict the effect of missense changes on protein structure and function (SIFT, PolyPhen-2, Align-GVGD) all suggest that this variant is likely to be tolerated. This variant has not been reported in the literature in individuals affected with TCOF1-related conditions. This variant is not present in population databases (gnomAD no frequency). This sequence change replaces valine, which is neutral and non-polar, with isoleucine, which is neutral and non-polar, at codon 1133 of the TCOF1 protein (p.Val1133Ile).